The following is an entry in ClinVar:

ClinVar aggregate classification (germline): Uncertain significance. Review status: criteria provided, multiple submitters, no conflicts (2 of 4 stars). 2 submissions from 2 submitters: Uncertain significance (2). Last evaluated 2023-02-03.

Submissions (2):

Blueprint Genetics
Classification: Uncertain significance. Last evaluated: 2023-02-03. Review status: criteria provided, single submitter. Criteria: ACMG Guidelines, 2015. Collection method: clinical testing. Allele origin: germline.

Labcorp Genetics (formerly Invitae), Labcorp
Classification: Uncertain significance. Last evaluated: 2022-10-24. Review status: criteria provided, single submitter. Criteria: Invitae Variant Classification Sherloc (09022015). Collection method: clinical testing. Allele origin: germline.
Comment: In summary, the available evidence is currently insufficient to determine the role of this variant in disease. Therefore, it has been classified as a Variant of Uncertain Significance. Algorithms developed to predict the effect of missense changes on protein structure and function are either unavailable or do not agree on the potential impact of this missense change (SIFT: "Deleterious"; PolyPhen-2: "Benign"; Align-GVGD: "Class C0"). ClinVar contains an entry for this variant (Variation ID: 1525132). This variant has not been reported in the literature in individuals affected with ARL2BP-related conditions. This variant is not present in population databases (gnomAD no frequency). This sequence change replaces aspartic acid, which is acidic and polar, with glycine, which is neutral and non-polar, at codon 46 of the ARL2BP protein (p.Asp46Gly).

NM_012106.4(ARL2BP):c.137A>G (p.Asp46Gly)

Gene: ARL2BP (ARF like GTPase 2 binding protein; plus strand). Cytogenetic location: 16q13.
Variant type: single nucleotide variant.
Coding change: c.137A>G on transcript NM_012106.4 (MANE Select); coding-DNA position 137, A replaced by G.
Protein change: p.Asp46Gly; replaces aspartic acid 46 with glycine.
Molecular consequence: missense variant.
Genome position (GRCh38, 1-based): chr16:57,248,573, A>G. VCF-style: chr16-57248573-A-G. GRCh37 (hg19) VCF-style: chr16-57282485-A-G.
Other names: short protein forms D46G.
Identifiers: ClinVar variation 1525132 (VCV001525132.7), dbSNP rs2146428484, ClinGen allele CA396021706.